The following is an entry in ClinVar:

ClinVar aggregate classification (germline): Likely benign. Review status: criteria provided, multiple submitters, no conflicts (2 of 4 stars). 3 submissions from 3 submitters: Likely benign (3). Last evaluated 2023-12-01.

Conditions:
Cardiomyopathy (CMYO). Also called: Cardiomyopathies. Identifiers: Orphanet 167848, MedGen C0878544, MONDO:0004994, HP:0001638. Inheritance: Various modes of inheritance.
Catecholaminergic polymorphic ventricular tachycardia 1. Also called: RYR2-Related Catecholaminergic Polymorphic Ventricular Tachycardia; VENTRICULAR TACHYCARDIA, STRESS-INDUCED POLYMORPHIC 1; VENTRICULAR TACHYCARDIA, CATECHOLAMINERGIC POLYMORPHIC, 1, WITH OR WITHOUT ATRIAL DYSFUNCTION AND/OR DILATED CARDIOMYOPATHY. Identifiers: Orphanet 3286, MedGen C1631597, MONDO:0011484, OMIM 604772.
Catecholaminergic polymorphic ventricular tachycardia (CVPT). Also called: Catecholamine-induced polymorphic ventricular tachycardia. Identifiers: Orphanet 3286, MedGen C5574922, MONDO:0017990.

Allele frequency attached by ClinVar (database versions not stated): gnomAD exomes below 0.00001; TOPMed below 0.00001; gnomAD 0.00001.
gnomAD v4.1: 2 of 1,613,770 alleles (0.00012%); highest among the groups gnomAD compares: Non-Finnish European, 0.00017%; no homozygotes.

Submissions (3):

All of Us Research Program, National Institutes of Health
Classification: Likely benign for Catecholaminergic polymorphic ventricular tachycardia. Last evaluated: 2023-12-01. Review status: criteria provided, single submitter. Criteria: ACMG Guidelines, 2015. Collection method: clinical testing. Allele origin: germline. Inheritance: Autosomal dominant inheritance. Observed: 2 variant alleles, 2 heterozygotes.
Comment: This study involves interpretation of variants in research participants for the purpose of population health screening. Participant phenotype was not available at the time of variant classification. Additional details can be found in publication PMID: 35346344, PMCID: PMC8962531

Color Diagnostics, LLC DBA Color Health
Classification: Likely benign for Cardiomyopathy. Last evaluated: 2023-01-12. Review status: criteria provided, single submitter. Criteria: ACMG Guidelines, 2015. Collection method: clinical testing. Allele origin: germline.

Labcorp Genetics (formerly Invitae), Labcorp
Classification: Likely benign for Catecholaminergic polymorphic ventricular tachycardia 1. Last evaluated: 2022-03-19. Review status: criteria provided, single submitter. Criteria: Invitae Variant Classification Sherloc (09022015). Collection method: clinical testing. Allele origin: germline.

NM_001035.3(RYR2):c.6556-9T>C

Gene: RYR2 (ryanodine receptor 2; plus strand). Cytogenetic location: 1q43.
Variant type: single nucleotide variant.
Coding change: c.6556-9T>C on transcript NM_001035.3 (MANE Select); 9 bases into the intron before coding-DNA position 6556, T replaced by C.
Molecular consequence: intron variant.
Genome position (GRCh38, 1-based): chr1:237,633,569, T>C. VCF-style: chr1-237633569-T-C. GRCh37 (hg19) VCF-style: chr1-237796869-T-C.
Identifiers: ClinVar variation 2037219 (VCV002037219.6), dbSNP rs1176978994, ClinGen allele CA733309287.